The following is an entry in ClinVar:

ClinVar aggregate classification (germline): Pathogenic (1 of 4 stars; one submission).

Conditions:
Hereditary cancer-predisposing syndrome. Also called: Hereditary Cancer Syndrome; Hereditary neoplastic syndrome; Neoplastic Syndromes, Hereditary; Tumor predisposition. Identifiers: Orphanet 140162, MedGen C0027672, MeSH D009386, MONDO:0015356.

Submission:

Ambry Genetics
Classification: Pathogenic for Hereditary cancer-predisposing syndrome. Last evaluated: 2025-03-21. Review status: criteria provided, single submitter. Criteria: Ambry Variant Classification Scheme 2023. Collection method: clinical testing. Allele origin: germline.
Comment: The c.1215_1216delTGinsGT pathogenic mutation (also known as p.E406*), located in coding exon 12 of the NF2 gene, results from an in-frame deletion of TG and insertion of GT at nucleotide positions 1215 to 1216. This changes the amino acid from a glutamine to a stop codon within coding exon 12. This variant was reported in individual(s) with features consistent with NF2-related schwannomatosis (Ambry internal data). This variant is considered to be rare based on population cohorts in the Genome Aggregation Database (gnomAD). In addition to the clinical data presented in the literature, this alteration is expected to result in loss of function by premature protein truncation or nonsense-mediated mRNA decay. As such, this alteration is interpreted as a disease-causing mutation.

NM_000268.4(NF2):c.1215_1216delinsGT (p.Glu406Ter)

Gene: NF2 (NF2, moesin-ezrin-radixin like (MERLIN) tumor suppressor; plus strand). Cytogenetic location: 22q12.2.
Variant type: Indel.
Coding change: c.1215_1216delinsGT on transcript NM_000268.4 (MANE Select); coding-DNA positions 1215 to 1216, TG replaced by GT.
Protein change: p.Glu406Ter; replaces glutamic acid 406 with a stop codon.
Molecular consequence: nonsense. On other transcripts: intron variant (1).
Genome position (GRCh38, 1-based): chr22:29,673,361-29,673,362, TG replaced by GT. VCF-style: chr22-29673361-TG-GT. GRCh37 (hg19) VCF-style: chr22-30069350-TG-GT.
Other names: c.1215_1216delinsGT, p.Glu406Ter (NM_181832.3, NM_001407060.1, NM_001407066.1 and 2 more transcripts); c.448-21391_448-21390delinsGT (NM_181833.3); c.1101_1102delinsGT, p.Glu368Ter (NM_001407053.1, NM_001407056.1); c.1092_1093delinsGT, p.Glu365Ter (NM_001407054.1, NM_001407058.1, NM_181829.3); c.1089_1090delinsGT, p.Glu364Ter (NM_001407055.1, NM_181828.3); c.1080_1081delinsGT, p.Glu361Ter (NM_001407057.1, NM_001407059.1); c.957_958delinsGT, p.Glu320Ter (NM_001407062.1); c.966_967delinsGT, p.Glu323Ter (NM_001407063.1, NM_001407064.1, NM_181830.3 and 1 more transcripts); and 2 more; short protein forms E329*, E228*, E361*, E365*, E406*, E320*, E323*, E368*.
Identifiers: ClinVar variation 3919122 (VCV003919122.1).